The following is an entry in ClinVar:

NM_001135651.3(EIF2AK2):c.283_285del (p.Gly95del)

Gene: EIF2AK2 (eukaryotic translation initiation factor 2 alpha kinase 2; minus strand). Cytogenetic location: 2p22.2.
Variant type: Deletion.
Coding change: c.283_285del on transcript NM_001135651.3 (MANE Select); coding-DNA positions 283 to 285, 3 bases deleted (GGA; older notation c.283_285delGGA).
Protein change: p.Gly95del; deletes glycine 95.
Molecular consequence: inframe deletion. On other transcripts: inframe indel (1).
Genome position (GRCh38, 1-based): chr2:37,141,657-37,141,659, TCC deleted on the plus strand (GGA on the coding strand, the reverse complement: EIF2AK2 is on the minus strand); deleting any 3 consecutive bases within chr2:37,141,657-37,141,660 gives the same sequence; the c. name uses the placement nearest the transcript's 3' end. VCF-style (leftmost placement, unchanged base first): chr2-37141656-ATCC-A. GRCh37 (hg19) VCF-style: chr2-37368799-ATCC-A.
Other names: c.282_284delAGG, p.Gly95del (NM_001135652.3); c.283_285del, p.Gly95del (NM_002759.4); short protein forms G95del.
Identifiers: ClinVar variation 2297318 (VCV002297318.2), dbSNP rs2465348696, ClinGen allele CA2580066414.

ClinVar aggregate classification (germline): Uncertain significance (1 of 4 stars; one submission).

Conditions:
Inborn genetic diseases. Identifiers: MedGen C0950123, MeSH D030342.

Submission:

Ambry Genetics
Classification: Uncertain significance for Inborn genetic diseases. Last evaluated: 2022-07-05. Review status: criteria provided, single submitter. Criteria: Ambry Variant Classification Scheme 2023. Collection method: clinical testing. Allele origin: germline.
Comment: The c.283_285delGGA (p.G95del) alteration is located in exon 5 (coding exon 3) of the EIF2AK2 gene. This alteration consists of an in-frame deletion of 3 nucleotides between nucleotide positions c.283 and c.285, resulting in the deletion of <NA> residues. Based on insufficient or conflicting evidence, the clinical significance of this alteration remains unclear.